The following is an entry in ClinVar:

ClinVar aggregate classification (germline): Uncertain significance (1 of 4 stars; one submission).

Allele frequency attached by ClinVar (database versions not stated): gnomAD 0.00001; TOPMed 0.00001.
gnomAD v4.1: 2 of 1,593,832 alleles (0.00013%); highest among the groups gnomAD compares: Non-Finnish European, 0.00017%; no homozygotes.

Submission:

Labcorp Genetics (formerly Invitae), Labcorp
Classification: Uncertain significance. Last evaluated: 2022-08-23. Review status: criteria provided, single submitter. Criteria: Invitae Variant Classification Sherloc (09022015). Collection method: clinical testing. Allele origin: germline.
Comment: In summary, the available evidence is currently insufficient to determine the role of this variant in disease. Therefore, it has been classified as a Variant of Uncertain Significance. Algorithms developed to predict the effect of missense changes on protein structure and function (SIFT, PolyPhen-2, Align-GVGD) all suggest that this variant is likely to be tolerated. This variant has not been reported in the literature in individuals affected with SLC24A1-related conditions. This variant is not present in population databases (gnomAD no frequency). This sequence change replaces valine, which is neutral and non-polar, with leucine, which is neutral and non-polar, at codon 182 of the SLC24A1 protein (p.Val182Leu).

NM_004727.3(SLC24A1):c.544G>C (p.Val182Leu)

Gene: SLC24A1 (solute carrier family 24 member 1; plus strand). Cytogenetic location: 15q22.31.
Variant type: single nucleotide variant.
Coding change: c.544G>C on transcript NM_004727.3 (MANE Select); coding-DNA position 544, G replaced by C.
Protein change: p.Val182Leu; replaces valine 182 with leucine.
Molecular consequence: missense variant.
Genome position (GRCh38, 1-based): chr15:65,624,624, G>C. VCF-style: chr15-65624624-G-C. GRCh37 (hg19) VCF-style: chr15-65916962-G-C.
Other names: c.544G>C, p.Val182Leu (NM_001301031.1, NM_001301032.1, NM_001301033.2 and 1 more transcripts); short protein forms V182L.
Identifiers: ClinVar variation 1904967 (VCV001904967.5), dbSNP rs2074437660, ClinGen allele CA392914148.